The following is an entry in ClinVar:

NM_018075.5(ANO10):c.1093_1097delinsC (p.Ile365fs)

Gene: ANO10 (anoctamin 10; minus strand). Cytogenetic location: 3p22.1.
Variant type: Indel.
Coding change: c.1093_1097delinsC on transcript NM_018075.5 (MANE Select); coding-DNA positions 1093 to 1097, ATCTA replaced by C.
Protein change: p.Ile365fs; shifts the reading frame from isoleucine 365.
Molecular consequence: frameshift variant. On other transcripts: intron variant (1).
Genome position (GRCh38, 1-based): chr3:43,576,757-43,576,761, TAGAT replaced by G on the plus strand (ATCTA replaced by C on the coding strand, the reverse complement: ANO10 is on the minus strand). VCF-style: chr3-43576757-TAGAT-G. GRCh37 (hg19) VCF-style: chr3-43618249-TAGAT-G.
Other names: c.1093_1097delinsC, p.Ile365fs (NM_001204831.3, NM_001346463.2, NM_001346464.2 and 3 more transcripts); c.895_899delinsC, p.Ile299fs (NM_001204832.3, NM_001346466.2, NM_001346469.2); c.760_764delinsC, p.Ile254fs (NM_001204833.3); c.593-1897_593-1893delinsC (NM_001204834.3); short protein forms I254fs, I299fs, I365fs.
Identifiers: ClinVar variation 4081732 (VCV004081732.1).
Genomic context (GRCh38, chr3:43,576,757, plus strand): 5'-GAAGTTAAAAACTCGGCAGCATATCGATAGAGACGATTCATGATCTCAATCACAATGGCA[TAGAT>G]GATGCTGGGCACATACAACAGGACACTGGTCCACTCAGACCCGCTGTTCTCATGTAGACC-3'

ClinVar aggregate classification (germline): Pathogenic (1 of 4 stars; one submission).

Conditions:
Autosomal recessive spinocerebellar ataxia 10. Identifiers: Orphanet 284289, MedGen C3150998, MONDO:0013392, OMIM 613728.

Submission:

Myriad Genetics, Inc.
Classification: Pathogenic for Autosomal recessive spinocerebellar ataxia 10. Last evaluated: 2025-06-26. Review status: criteria provided, single submitter. Criteria: Myriad Autosomal Dominant, Autosomal Recessive and X-Linked Classification Criteria (2023). Collection method: clinical testing. Allele origin: unknown.
Comment: NM_018075.3(ANO10):c.1093_1097del5ins1(I365Lfs*4) is a frameshift variant classified as pathogenic in the context of spinocerebellar ataxia, ANO10-related. I365Lfs*4 has not been observed in cases with relevant disease. Relevant functional assessments of this variant are not available in the literature. I365Lfs*4 has not been observed in referenced population frequency databases. In summary, NM_018075.3(ANO10):c.1093_1097del5ins1(I365Lfs*4) is a frameshift variant in a gene where loss of function is a known mechanism of disease and is predicted to disrupt protein function. Please note: this variant was assessed in the context of healthy population screening.